The following is an entry in ClinVar:

NM_005169.4(PHOX2A):c.150C>T (p.Pro50=)

Gene: PHOX2A (paired like homeobox 2A; minus strand). Cytogenetic location: 11q13.4.
Variant type: single nucleotide variant.
Coding change: c.150C>T on transcript NM_005169.4 (MANE Select); coding-DNA position 150, C replaced by T.
Protein change: p.Pro50=; no amino-acid change (proline 50 retained).
Molecular consequence: synonymous variant.
Genome position (GRCh38, 1-based): chr11:72,243,855, G>A on the plus strand (C>T on the coding strand, the complement: PHOX2A is on the minus strand). VCF-style: chr11-72243855-G-A. GRCh37 (hg19) VCF-style: chr11-71954899-G-A.
Identifiers: ClinVar variation 3257042 (VCV003257042.17).

ClinVar aggregate classification (germline): Likely benign (1 of 4 stars; one submission).

gnomAD v4.1: 9 of 1,267,398 alleles (0.00071%); highest among the groups gnomAD compares: Non-Finnish European, 0.0009%; no homozygotes.

Submission:

CeGaT Center for Human Genetics Tuebingen
Classification: Likely benign. Last evaluated: 2024-07-01. Review status: criteria provided, single submitter. Criteria: CeGaT Center For Human Genetics Tuebingen Variant Classification Criteria Version 2. Collection method: clinical testing. Allele origin: germline. Affected: yes. Observed: 1 variant allele.
Comment: PHOX2A: BP4, BP7